The following is an entry in ClinVar:

ClinVar aggregate classification (germline): Uncertain significance. Review status: criteria provided, multiple submitters, no conflicts (2 of 4 stars). 2 submissions from 2 submitters: Uncertain significance (2). Last evaluated 2025-08-13.

Conditions:
Cardiovascular phenotype. Identifiers: MedGen CN230736.
RASopathy. Also called: Noonan spectrum disorder; rasopathies. Identifiers: Orphanet 536391, MedGen C5555857, MONDO:0021060.

Allele frequency attached by ClinVar (database versions not stated): ExAC 0.00001.
gnomAD v4.1: 5 of 1,613,956 alleles (0.00031%); highest among the groups gnomAD compares: Non-Finnish European, 0.00034%; no homozygotes.

Submissions (2):

Ambry Genetics
Classification: Uncertain significance for Cardiovascular phenotype. Last evaluated: 2025-08-13. Review status: criteria provided, single submitter. Criteria: Ambry Variant Classification Scheme 2023. Collection method: clinical testing. Allele origin: germline.

Labcorp Genetics (formerly Invitae), Labcorp
Classification: Uncertain significance for RASopathy. Last evaluated: 2022-09-06. Review status: criteria provided, single submitter. Criteria: Invitae Variant Classification Sherloc (09022015). Collection method: clinical testing. Allele origin: germline.
Comment: Algorithms developed to predict the effect of missense changes on protein structure and function are either unavailable or do not agree on the potential impact of this missense change (SIFT: "Deleterious"; PolyPhen-2: "Benign"; Align-GVGD: "Class C0"). This sequence change replaces threonine, which is neutral and polar, with asparagine, which is neutral and polar, at codon 159 of the SHOC2 protein (p.Thr159Asn). This variant is present in population databases (rs758157906, gnomAD 0.0009%). This variant has not been reported in the literature in individuals affected with SHOC2-related conditions. ClinVar contains an entry for this variant (Variation ID: 835448). In summary, the available evidence is currently insufficient to determine the role of this variant in disease. Therefore, it has been classified as a Variant of Uncertain Significance.

NM_007373.4(SHOC2):c.476C>A (p.Thr159Asn)

Gene: SHOC2 (SHOC2 leucine rich repeat scaffold protein; plus strand). Cytogenetic location: 10q25.2.
Variant type: single nucleotide variant.
Coding change: c.476C>A on transcript NM_007373.4 (MANE Select); coding-DNA position 476, C replaced by A.
Protein change: p.Thr159Asn; replaces threonine 159 with asparagine.
Molecular consequence: missense variant.
Genome position (GRCh38, 1-based): chr10:110,964,834, C>A. VCF-style: chr10-110964834-C-A. GRCh37 (hg19) VCF-style: chr10-112724592-C-A.
Other names: c.476C>A, p.Thr159Asn (NM_001269039.3, NM_001324336.2, NM_001324337.2); short protein forms T159N.
Identifiers: ClinVar variation 835448 (VCV000835448.10), dbSNP rs758157906, ClinGen allele CA5689592.